The following is an entry in ClinVar:

NM_001142800.2(EYS):c.1530T>C (p.Asp510=)

Gene: EYS (EGF-like photoreceptor maintenance factor; minus strand). Cytogenetic location: 6q12.
Variant type: single nucleotide variant.
Coding change: c.1530T>C on transcript NM_001142800.2 (MANE Select); coding-DNA position 1530, T replaced by C.
Protein change: p.Asp510=; no amino-acid change (aspartic acid 510 retained).
Molecular consequence: synonymous variant.
Genome position (GRCh38, 1-based): chr6:65,344,107, A>G on the plus strand (T>C on the coding strand, the complement: EYS is on the minus strand). VCF-style: chr6-65344107-A-G. GRCh37 (hg19) VCF-style: chr6-66054000-A-G.
Other names: c.1530T>C, p.Asp510= (NM_001142801.2, NM_001292009.2, NM_198283.2).
Identifiers: ClinVar variation 2656686 (VCV002656686.27), dbSNP rs1770303883, ClinGen allele CA450707621.
Genomic context (GRCh38, chr6:65,344,107, plus strand): 5'-GCCTTCATGTGGGAACCAACATGAAGAATTATTATCTTCAGGATCGTTCACATAGGTTGC[A>G]TCTTCAGTGCAGTTTGCAGCCAGAAAGAAATAGGCATCAATAACCCCTTGGCACTTTTCG-3'
Protein context (NP_001136272.1, residues 500-520): YFFLAANCTE[Asp510=]ATYVNDPEDN

ClinVar aggregate classification (germline): Likely benign. Review status: criteria provided, multiple submitters, no conflicts (2 of 4 stars). 2 submissions from 2 submitters: Likely benign (2). Last evaluated 2023-11-09.

Allele frequency attached by ClinVar (database versions not stated): gnomAD exomes below 0.00001; TOPMed 0.00002.
gnomAD v4.1: 5 of 1,610,888 alleles (0.00031%); highest among the groups gnomAD compares: African/African-American, 0.0027%; no homozygotes.

Submissions (2):

Labcorp Genetics (formerly Invitae), Labcorp
Classification: Likely benign. Last evaluated: 2023-11-09. Review status: criteria provided, single submitter. Criteria: Invitae Variant Classification Sherloc (09022015). Collection method: clinical testing. Allele origin: germline.

CeGaT Center for Human Genetics Tuebingen
Classification: Likely benign. Last evaluated: 2023-08-01. Review status: criteria provided, single submitter. Criteria: CeGaT Center For Human Genetics Tuebingen Variant Classification Criteria Version 2. Collection method: clinical testing. Allele origin: germline. Affected: yes. Observed: 2 variant alleles.
Comment: EYS: PM2:Supporting, BP4, BP7